The following is an entry in ClinVar:

NM_032380.5(GFM2):c.1113del (p.Phe372fs)

Gene: GFM2 (GTP dependent ribosome recycling factor mitochondrial 2; minus strand). Cytogenetic location: 5q13.3.
Variant type: Deletion.
Coding change: c.1113del on transcript NM_032380.5 (MANE Select); coding-DNA position 1113, one base deleted (A; older notation c.1113delA).
Protein change: p.Phe372fs; shifts the reading frame from phenylalanine 372.
Molecular consequence: frameshift variant. On other transcripts: non-coding transcript variant (1), intron variant (1).
Genome position (GRCh38, 1-based): chr5:74,738,609, T deleted on the plus strand (A on the coding strand, the reverse complement: GFM2 is on the minus strand). VCF-style (leftmost placement, unchanged base first): chr5-74738608-AT-A. GRCh37 (hg19) VCF-style: chr5-74034433-AT-A.
Other names: c.1209del, p.Phe404fs (NM_001281302.2); c.1113del, p.Phe372fs (NM_170681.3); c.1080-192del (NM_170691.3); short protein forms F372fs, F404fs.
Identifiers: ClinVar variation 4056493 (VCV004056493.1).

ClinVar aggregate classification (germline): Likely pathogenic (1 of 4 stars; one submission).

Conditions:
Combined oxidative phosphorylation deficiency 39. Identifiers: Orphanet 565624, MedGen C5193075, MONDO:0032726, OMIM 618397.

Submission:

Laboratorio de Genetica e Diagnostico Molecular, Hospital Israelita Albert Einstein
Classification: Likely pathogenic for Combined oxidative phosphorylation deficiency 39. Last evaluated: 2023-09-27. Review status: criteria provided, single submitter. Criteria: ACMG Guidelines, 2015. Collection method: clinical testing. Allele origin: germline. Affected: yes.
Comment: ACMG classification criteria: PVS1 very strong, PM2 moderate